The following is an entry in ClinVar:

ClinVar aggregate classification (germline): Uncertain significance. Review status: criteria provided, multiple submitters, no conflicts (2 of 4 stars). 4 submissions from 4 submitters: Uncertain significance (4). Last evaluated 2025-09-03.

Conditions:
TTN-related disorder. Also called: TTN-related condition; TTN-related disease; TTN-related disorders.
Cardiovascular phenotype. Identifiers: MedGen CN230736.
Early-onset myopathy with fatal cardiomyopathy (CMYO5). Also called: Salih Myopathy; CONGENITAL MYOPATHY 5 WITH CARDIOMYOPATHY. Identifiers: Orphanet 289377, MedGen C2673677, MONDO:0012714, OMIM 611705. Disease mechanism: loss of function.
Dilated cardiomyopathy 1G (CMD1G). Identifiers: Orphanet 154, MedGen C1858763, MONDO:0011400, OMIM 604145.
Autosomal recessive limb-girdle muscular dystrophy type 2J (LGMDR10). Also called: Limb-girdle muscular dystrophy, type 2J; MUSCULAR DYSTROPHY, LIMB-GIRDLE, AUTOSOMAL RECESSIVE 10. Identifiers: Orphanet 140922, MedGen C1837342, MONDO:0012127, OMIM 608807.
Tibial muscular dystrophy (TMD). Also called: Tibial muscular dystrophy, tardive; Udd Distal Myopathy – Tibial Muscular Dystrophy; UDD MYOPATHY. Identifiers: Orphanet 609, MedGen C1838244, MONDO:0010870, OMIM 600334.
Myopathy, myofibrillar, 9, with early respiratory failure (MFM9). Also called: Myopathy, distal, with early respiratory failure, autosomal dominant; MYOPATHY, PROXIMAL, WITH EARLY RESPIRATORY MUSCLE INVOLVEMENT; Hereditary myopathy with early respiratory failure; EDSTROM MYOPATHY. Identifiers: Orphanet 178464, Orphanet 34521, MedGen C1863599, MONDO:0011362, OMIM 603689.
Hypertrophic cardiomyopathy 9. Also called: Familial hypertrophic cardiomyopathy 9. Identifiers: MedGen C1861065, MONDO:0013412, OMIM 613765.

Allele frequency attached by ClinVar (database versions not stated): gnomAD 0.00006 and 0.00005; ESP Exome Variant Server 0.00017; 1000 Genomes Project 30x 0.00031; 1000 Genomes Project 0.00040; gnomAD exomes 0.00003 and 0.00004; TOPMed 0.00003; ExAC 0.00004.
gnomAD v4.1: 57 of 1,612,670 alleles (0.0035%); highest among the groups gnomAD compares: African/African-American, 0.008%; no homozygotes.

Submissions (4):

PreventionGenetics, part of Exact Sciences
Classification: Uncertain significance for TTN-related condition. Last evaluated: 2025-09-03. Review status: criteria provided, single submitter. Criteria: ACMG Guidelines, 2015. Collection method: clinical testing. Allele origin: germline.
Comment: The TTN c.47942C>T variant is predicted to result in the amino acid substitution p.Thr15981Met. To our knowledge, this variant has not been reported in the literature. This variant is reported in 0.012% of alleles in individuals of African descent in gnomAD. At this time, the clinical significance of this variant is uncertain due to the absence of conclusive functional and genetic evidence.

Fulgent Genetics
Classification: Uncertain significance for Tibial muscular dystrophy; Myopathy, myofibrillar, 9, with early respiratory failure; Dilated cardiomyopathy 1G; Autosomal recessive limb-girdle muscular dystrophy type 2J; Early-onset myopathy with fatal cardiomyopathy; Hypertrophic cardiomyopathy 9. Last evaluated: 2021-09-29. Review status: criteria provided, single submitter. Criteria: ACMG Guidelines, 2015. Collection method: clinical testing. Allele origin: unknown.

Ambry Genetics
Classification: Uncertain significance for Cardiovascular phenotype. Last evaluated: 2019-08-22. Review status: criteria provided, single submitter. Criteria: Ambry Variant Classification Scheme 2023. Collection method: clinical testing. Allele origin: germline.
Comment: The p.T6916M variant (also known as c.20747C>T), located in coding exon 83 of the TTN gene, results from a C to T substitution at nucleotide position 20747. The threonine at codon 6916 is replaced by methionine, an amino acid with similar properties. This amino acid position is poorly conserved in available vertebrate species. In addition, this alteration is predicted to be tolerated by in silico analysis. Since supporting evidence is limited at this time, the clinical significance of this alteration remains unclear.

Eurofins Ntd Llc (ga)
Classification: Uncertain significance. Last evaluated: 2015-03-11. Review status: criteria provided, single submitter. Criteria: EGL Classification Definitions 2015. Collection method: clinical testing. Allele origin: germline. Observed: 2 variant alleles, 2 heterozygotes.

NM_001267550.2(TTN):c.47942C>T (p.Thr15981Met)

Genes: TTN (titin; minus strand), TTN-AS1 (TTN antisense RNA 1; plus strand). Cytogenetic location: 2q31.2.
Variant type: single nucleotide variant.
Coding change: c.47942C>T on transcript NM_001267550.2 (MANE Select); coding-DNA position 47942, C replaced by T.
Protein change: p.Thr15981Met; replaces threonine 15981 with methionine.
Molecular consequence: missense variant.
Genome position (GRCh38, 1-based): chr2:178,616,947, G>A on the plus strand (C>T on the coding strand, the complement: TTN is on the minus strand). VCF-style: chr2-178616947-G-A. GRCh37 (hg19) VCF-style: chr2-179481674-G-A.
Other names: c.43019C>T, p.Thr14340Met (NM_001256850.1); c.20747C>T, p.Thr6916Met (NM_003319.4); c.40238C>T, p.Thr13413Met (NM_133378.4); c.21122C>T, p.Thr7041Met (NM_133432.3); c.21323C>T, p.Thr7108Met (NM_133437.4); short protein forms T15981M, T13413M, T14340M, T7108M, T6916M, T7041M.
Identifiers: ClinVar variation 195548 (VCV000195548.9), dbSNP rs150364979, ClinGen allele CA242003.